The following is an entry in ClinVar:

NM_004714.3(DYRK1B):c.1377C>T (p.Pro459=)

Gene: DYRK1B (dual specificity tyrosine phosphorylation regulated kinase 1B; minus strand). Cytogenetic location: 19q13.2.
Variant type: single nucleotide variant.
Coding change: c.1377C>T on transcript NM_004714.3 (MANE Select); coding-DNA position 1377, C replaced by T.
Protein change: p.Pro459=; no amino-acid change (proline 459 retained).
Molecular consequence: synonymous variant.
Genome position (GRCh38, 1-based): chr19:39,826,706, G>A on the plus strand (C>T on the coding strand, the complement: DYRK1B is on the minus strand). VCF-style: chr19-39826706-G-A. GRCh37 (hg19) VCF-style: chr19-40317346-G-A.
Other names: c.1257C>T, p.Pro419= (NM_006483.3); c.1293C>T, p.Pro431= (NM_006484.3).
Identifiers: ClinVar variation 3031272 (VCV003031272.2), dbSNP rs759742868, ClinGen allele CA9434062.

ClinVar aggregate classification (germline): Likely benign (0 of 4 stars; one submission).

Conditions:
DYRK1B-related disorder. Also called: DYRK1B-related condition.

Allele frequency attached by ClinVar (database versions not stated): ExAC 0.00001; gnomAD exomes 0.00001.
gnomAD v4.1: 8 of 1,606,514 alleles (0.0005%); highest among the groups gnomAD compares: South Asian, 0.0011%; no homozygotes.

Submission:

PreventionGenetics, part of Exact Sciences
Classification: Likely benign for DYRK1B-related condition. Last evaluated: 2023-12-07. Review status: no assertion criteria provided. Collection method: clinical testing. Allele origin: germline.
Comment: This variant is classified as likely benign based on ACMG/AMP sequence variant interpretation guidelines (Richards et al. 2015 PMID: 25741868, with internal and published modifications).